The following is an entry in ClinVar:

ClinVar aggregate classification (germline): Uncertain significance (1 of 4 stars; one submission).

Submission:

GeneDx
Classification: Uncertain significance. Last evaluated: 2020-03-02. Review status: criteria provided, single submitter. Criteria: GeneDx Variant Classification Process June 2021. Collection method: clinical testing. Allele origin: germline. Affected: yes.
Comment: Not observed in large population cohorts (Lek et al., 2016); Frameshift variant predicted to result in protein truncation or nonsense mediated decay in a gene for which loss-of-function is not a known mechanism of disease; Has not been previously published as pathogenic or benign to our knowledge

NM_001128840.3(CACNA1D):c.4737_4738del (p.Lys1579fs)

Gene: CACNA1D (calcium voltage-gated channel subunit alpha1 D; plus strand). Cytogenetic location: 3p21.1.
Variant type: Deletion.
Coding change: c.4737_4738del on transcript NM_001128840.3 (MANE Select); coding-DNA positions 4737 to 4738, 2 bases deleted (AA; older notation c.4737_4738delAA).
Protein change: p.Lys1579fs; shifts the reading frame from lysine 1579.
Molecular consequence: frameshift variant.
Genome position (GRCh38, 1-based): chr3:53,781,612-53,781,613, AA deleted; deleting any 2 consecutive bases within chr3:53,781,610-53,781,613 gives the same sequence; the c. name uses the placement nearest the transcript's 3' end. VCF-style (leftmost placement, unchanged base first): chr3-53781609-GAA-G. GRCh37 (hg19) VCF-style: chr3-53815636-GAA-G.
Other names: c.4797_4798del, p.Lys1599fs (NM_000720.4); c.4692_4693del, p.Lys1564fs (NM_001128839.3); short protein forms K1564fs, K1579fs, K1599fs.
Identifiers: ClinVar variation 1315095 (VCV001315095.2), dbSNP rs2109071878, ClinGen allele CA2573052228.